The following is an entry in ClinVar:

ClinVar aggregate classification (germline): Uncertain significance. Review status: criteria provided, multiple submitters, no conflicts (2 of 4 stars). 2 submissions from 2 submitters: Uncertain significance (2). Last evaluated 2025-05-05.

Conditions:
Neutropenia, severe congenital, 2, autosomal dominant. Identifiers: Orphanet 486, MedGen C2751288, MONDO:0013139, OMIM 613107.

gnomAD v4.1: 3 of 1,592,980 alleles (0.00019%); highest among the groups gnomAD compares: Non-Finnish European, 0.00026%; no homozygotes.

Submissions (2):

Ambry Genetics
Classification: Uncertain significance. Last evaluated: 2025-05-05. Review status: criteria provided, single submitter. Criteria: Ambry Variant Classification Scheme 2023. Collection method: clinical testing. Allele origin: germline.
Comment: The p.C245G variant (also known as c.733T>G), located in coding exon 3 of the GFI1 gene, results from a T to G substitution at nucleotide position 733. The cysteine at codon 245 is replaced by glycine, an amino acid with highly dissimilar properties. This amino acid position is conserved. In addition, this alteration is predicted to be tolerated by in silico analysis. Based on the available evidence, the clinical significance of this variant remains unclear.

Labcorp Genetics (formerly Invitae), Labcorp
Classification: Uncertain significance for Neutropenia, severe congenital, 2, autosomal dominant. Last evaluated: 2020-08-30. Review status: criteria provided, single submitter. Criteria: Invitae Variant Classification Sherloc (09022015). Collection method: clinical testing. Allele origin: germline.
Comment: This sequence change replaces cysteine with glycine at codon 245 of the GFI1 protein (p.Cys245Gly). The cysteine residue is moderately conserved and there is a large physicochemical difference between cysteine and glycine. This variant is not present in population databases (ExAC no frequency). This variant has not been reported in the literature in individuals with GFI1-related conditions. Algorithms developed to predict the effect of missense changes on protein structure and function (SIFT, PolyPhen-2, Align-GVGD) all suggest that this variant is likely to be tolerated, but these predictions have not been confirmed by published functional studies and their clinical significance is uncertain. In summary, the available evidence is currently insufficient to determine the role of this variant in disease. Therefore, it has been classified as a Variant of Uncertain Significance.

NM_005263.5(GFI1):c.733T>G (p.Cys245Gly)

Gene: GFI1 (growth factor independent 1 transcriptional repressor; minus strand). Cytogenetic location: 1p22.1.
Variant type: single nucleotide variant.
Coding change: c.733T>G on transcript NM_005263.5 (MANE Select); coding-DNA position 733, T replaced by G.
Protein change: p.Cys245Gly; replaces cysteine 245 with glycine.
Molecular consequence: missense variant.
Genome position (GRCh38, 1-based): chr1:92,480,654, A>C on the plus strand (T>G on the coding strand, the complement: GFI1 is on the minus strand). VCF-style: chr1-92480654-A-C. GRCh37 (hg19) VCF-style: chr1-92946211-A-C.
Other names: c.733T>G (NM_005263.3); c.733T>G, p.Cys245Gly (NM_001127215.3, NM_001127216.3); short protein forms C245G.
Identifiers: ClinVar variation 1025019 (VCV001025019.9), dbSNP rs775151292, ClinGen allele CA341149108.